The following is an entry in ClinVar:

NM_001267550.2(TTN):c.25409G>A (p.Gly8470Glu)

Gene: TTN (titin; minus strand). Cytogenetic location: 2q31.2.
Variant type: single nucleotide variant.
Coding change: c.25409G>A on transcript NM_001267550.2 (MANE Select); coding-DNA position 25409, G replaced by A.
Protein change: p.Gly8470Glu; replaces glycine 8470 with glutamic acid.
Molecular consequence: missense variant. On other transcripts: intron variant (3).
Genome position (GRCh38, 1-based): chr2:178,717,325, C>T on the plus strand (G>A on the coding strand, the complement: TTN is on the minus strand). VCF-style: chr2-178717325-C-T. GRCh37 (hg19) VCF-style: chr2-179582052-C-T.
Other names: c.24458G>A, p.Gly8153Glu (NM_001256850.1); c.21677G>A, p.Gly7226Glu (NM_133378.4); c.13282+20757G>A (NM_003319.4); c.13858+20757G>A (NM_133437.4); c.13657+20757G>A (NM_133432.3); short protein forms G7226E, G8153E, G8470E.
Identifiers: ClinVar variation 2506093 (VCV002506093.1), dbSNP rs2529199586, ClinGen allele CA349485561.

ClinVar aggregate classification (germline): Uncertain significance (1 of 4 stars; one submission).

Submission:

Women's Health and Genetics/Laboratory Corporation of America, LabCorp
Classification: Uncertain significance. Last evaluated: 2023-05-18. Review status: criteria provided, single submitter. Criteria: LabCorp Variant Classification Summary - May 2015. Collection method: clinical testing. Allele origin: germline.
Comment: Variant summary: TTN c.21677G>A (p.Gly7226Glu) results in a non-conservative amino acid change located in the I-band region of the encoded protein sequence. Three of three in-silico tools predict a damaging effect of the variant on protein function. The variant was absent in 248508 control chromosomes (gnomAD). The available data on variant occurrences in the general population are insufficient to allow any conclusion about variant significance. To our knowledge, no occurrence of c.21677G>A in individuals affected with Dilated Cardiomyopathy and no experimental evidence demonstrating its impact on protein function have been reported. No clinical diagnostic laboratories have submitted clinical-significance assessments for this variant to ClinVar after 2014. Based on the evidence outlined above, the variant was classified as uncertain significance.